The following is an entry in ClinVar:

NM_020120.4(UGGT1):c.4603G>A (p.Ala1535Thr)

Genes: UGGT1 (UDP-glucose glycoprotein glucosyltransferase 1; plus strand), LOC126806345 (MED14-independent group 3 enhancer GRCh37_chr2:128944162-128945361; plus strand). Cytogenetic location: 2q14.3.
Variant type: single nucleotide variant.
Coding change: c.4603G>A on transcript NM_020120.4 (MANE Select); coding-DNA position 4603, G replaced by A.
Protein change: p.Ala1535Thr; replaces alanine 1535 with threonine.
Molecular consequence: missense variant. On other transcripts: non-coding transcript variant (1).
Genome position (GRCh38, 1-based): chr2:128,187,575, G>A. VCF-style: chr2-128187575-G-A. GRCh37 (hg19) VCF-style: chr2-128945149-G-A.
Other names: short protein forms A1535T.
Identifiers: ClinVar variation 5041811 (VCV005041811.1).

ClinVar aggregate classification (germline): Uncertain significance (1 of 4 stars; one submission).

Submission:

CeGaT Center for Human Genetics Tuebingen
Classification: Uncertain significance. Last evaluated: 2026-09-01. Review status: criteria provided, single submitter. Criteria: CeGaT Center For Human Genetics Tuebingen Variant Classification Criteria Version 2. Collection method: clinical testing. Allele origin: germline. Affected: yes. Observed: 1 variant allele.
Comment: UGGT1: PM2, BP4